The following is an entry in ClinVar:

ClinVar aggregate classification (germline): Uncertain significance (1 of 4 stars; one submission).

Conditions:
Early-infantile DEE. Also called: Ohtahara syndrome; Early infantile epileptic encephalopathy with suppression bursts; Early infantile epileptic encephalopathy. Identifiers: Orphanet 1934, MedGen C0393706, MONDO:0800491.

Submission:

Labcorp Genetics (formerly Invitae), Labcorp
Classification: Uncertain significance for Early-infantile DEE. Last evaluated: 2022-01-07. Review status: criteria provided, single submitter. Criteria: Invitae Variant Classification Sherloc (09022015). Collection method: clinical testing. Allele origin: germline.
Comment: In summary, the available evidence is currently insufficient to determine the role of this variant in disease. Therefore, it has been classified as a Variant of Uncertain Significance. Algorithms developed to predict the effect of missense changes on protein structure and function (SIFT, PolyPhen-2, Align-GVGD) all suggest that this variant is likely to be tolerated. This variant has not been reported in the literature in individuals affected with SCN8A-related conditions. This variant is not present in population databases (gnomAD no frequency). This sequence change replaces histidine, which is basic and polar, with proline, which is neutral and non-polar, at codon 658 of the SCN8A protein (p.His658Pro).

NM_001330260.2(SCN8A):c.1973A>C (p.His658Pro)

Gene: SCN8A (sodium voltage-gated channel alpha subunit 8; plus strand). Cytogenetic location: 12q13.13.
Variant type: single nucleotide variant.
Coding change: c.1973A>C on transcript NM_001330260.2 (MANE Select); coding-DNA position 1973, A replaced by C.
Protein change: p.His658Pro; replaces histidine 658 with proline.
Molecular consequence: missense variant.
Genome position (GRCh38, 1-based): chr12:51,721,883, A>C. VCF-style: chr12-51721883-A-C. GRCh37 (hg19) VCF-style: chr12-52115667-A-C.
Other names: c.1973A>C, p.His658Pro (NM_001177984.3, NM_001369788.1, NM_014191.4); short protein forms H658P.
Identifiers: ClinVar variation 2076977 (VCV002076977.4), dbSNP rs2540204577, ClinGen allele CA385229968.